The following is an entry in ClinVar:

NM_000368.5(TSC1):c.2198A>G (p.Asn733Ser)

Gene: TSC1 (TSC complex subunit 1; minus strand). Cytogenetic location: 9q34.13.
Variant type: single nucleotide variant.
Coding change: c.2198A>G on transcript NM_000368.5 (MANE Select); coding-DNA position 2198, A replaced by G.
Protein change: p.Asn733Ser; replaces asparagine 733 with serine.
Molecular consequence: missense variant.
Genome position (GRCh38, 1-based): chr9:132,903,661, T>C on the plus strand (A>G on the coding strand, the complement: TSC1 is on the minus strand). VCF-style: chr9-132903661-T-C. GRCh37 (hg19) VCF-style: chr9-135779048-T-C.
Other names: c.1835A>G, p.Asn612Ser (NM_001362177.2); c.2195A>G, p.Asn732Ser (NM_001162426.2); c.2045A>G, p.Asn682Ser (NM_001162427.2); short protein forms N612S, N682S, N732S, N733S.
Identifiers: ClinVar variation 1163318 (VCV001163318.8), dbSNP rs1564478277, ClinGen allele CA375360605.

ClinVar aggregate classification (germline): Uncertain significance. Review status: criteria provided, multiple submitters, no conflicts (2 of 4 stars). 2 submissions from 2 submitters: Uncertain significance (2). Last evaluated 2023-06-03.

Conditions:
Tuberous sclerosis 1 (TSC1). Identifiers: Orphanet 805, MedGen C1854465, MONDO:0008612, OMIM 191100.

Submissions (2):

Labcorp Genetics (formerly Invitae), Labcorp
Classification: Uncertain significance for Tuberous sclerosis 1. Last evaluated: 2023-06-03. Review status: criteria provided, single submitter. Criteria: Invitae Variant Classification Sherloc (09022015). Collection method: clinical testing. Allele origin: germline.
Comment: This sequence change replaces asparagine, which is neutral and polar, with serine, which is neutral and polar, at codon 733 of the TSC1 protein (p.Asn733Ser). In summary, the available evidence is currently insufficient to determine the role of this variant in disease. Therefore, it has been classified as a Variant of Uncertain Significance. Advanced modeling of protein sequence and biophysical properties (such as structural, functional, and spatial information, amino acid conservation, physicochemical variation, residue mobility, and thermodynamic stability) performed at Invitae indicates that this missense variant is not expected to disrupt TSC1 protein function. ClinVar contains an entry for this variant (Variation ID: 1163318). This variant has not been reported in the literature in individuals affected with TSC1-related conditions. This variant is not present in population databases (gnomAD no frequency).

Mayo Clinic Laboratories, Mayo Clinic
Classification: Uncertain significance. Last evaluated: 2020-05-22. Review status: criteria provided, single submitter. Criteria: ACMG Guidelines, 2015. Collection method: clinical testing. Allele origin: germline. Observed: 1 variant allele.